The following is an entry in ClinVar:

ClinVar aggregate classification (germline): Likely pathogenic. Review status: criteria provided, multiple submitters, no conflicts (2 of 4 stars). 2 submissions from 2 submitters: Likely pathogenic (2). Last evaluated 2025-07-28.

Conditions:
Pendred syndrome (PDS). Also called: THYROID DYSHORMONOGENESIS 2B; THYROID HORMONOGENESIS, GENETIC DEFECT IN, 2B; Pendred Syndrome (PDS); Pendred's syndrome; DEAFNESS WITH GOITER; GOITER-DEAFNESS SYNDROME. Identifiers: Orphanet 705, MedGen C0271829, MONDO:0010134, OMIM 274600.

gnomAD v4.1: 1 of 1,559,606 alleles (0.000064%); highest among the groups gnomAD compares: Non-Finnish European, 0.000088%; no homozygotes.

Submissions (2):

Natera, Inc.
Classification: Likely pathogenic for Pendred syndrome. Last evaluated: 2025-07-28. Review status: criteria provided, single submitter. Criteria: Natera Variant Classification Schema (03/2026). Collection method: clinical testing. Allele origin: germline.
Comment: The c.1803+1G>A variant in SLC26A4 is a canonical splice donor site variant predicted to affect pre-mRNA splicing, which may result in an abnormal transcript and altered protein product. This variant is expected to result in nonsense mediated decay, truncation, or a dysfunctional protein product. This variant is rare in the general population with a frequency below the threshold expected for the associated phenotype(s). This variant has been observed in one or more individuals affected with the associated recessive disease, as either homozygous or compound heterozygous with a second variant (PMID: 34170635). Given the available evidence, this variant is classified as Likely Pathogenic.

Myriad Genetics, Inc.
Classification: Likely pathogenic for Pendred syndrome. Last evaluated: 2025-07-21. Review status: criteria provided, single submitter. Criteria: Myriad Autosomal Dominant, Autosomal Recessive and X-Linked Classification Criteria (2023). Collection method: clinical testing. Allele origin: unknown.
Comment: NM_000441.1(SLC26A4):c.1803+1G>A is a variant in a canonical splice site classified as likely pathogenic in the context of Pendred syndrome. c.1803+1G>A has been observed in a case with relevant disease (PMID: 34170635). Relevant functional assessments of this variant are not available in the literature. c.1803+1G>A has not been observed in referenced population frequency databases. In summary, NM_000441.1(SLC26A4):c.1803+1G>A is a variant in a canonical splice site that has been observed more frequently in cases with the relevant disease than in healthy populations. Please note: this variant was assessed in the context of healthy population screening.

Literature cited by the submitters: PubMed 34170635 (cited by Natera, Inc. and Myriad Genetics, Inc.).

NM_000441.2(SLC26A4):c.1803+1G>A

Gene: SLC26A4 (solute carrier family 26 member 4; plus strand). Cytogenetic location: 7q22.3.
Variant type: single nucleotide variant.
Coding change: c.1803+1G>A on transcript NM_000441.2 (MANE Select); the canonical splice donor site of the intron after coding-DNA position 1803, G replaced by A.
Molecular consequence: splice donor variant.
Genome position (GRCh38, 1-based): chr7:107,701,197, G>A. VCF-style: chr7-107701197-G-A. GRCh37 (hg19) VCF-style: chr7-107341642-G-A.
Identifiers: ClinVar variation 4818367 (VCV004818367.2).
Genomic context (GRCh38, chr7:107,701,197, plus strand): 5'-CTGAAAGCGCTGAGGAAAATACAGAAACTAATAAAAAGTGGACAATTAAGAGCAACAAAG[G>A]TGAGATGACATCTTTCTTTTCCCCCTTAAATTATTTCCTTTCCCTGATGAGAGCAGTTAG-3'